The following is an entry in ClinVar:

NM_001605.3(AARS1):c.238G>A (p.Gly80Ser)

Gene: AARS1 (alanyl-tRNA synthetase 1; minus strand). Cytogenetic location: 16q22.1.
Variant type: single nucleotide variant.
Coding change: c.238G>A on transcript NM_001605.3 (MANE Select); coding-DNA position 238, G replaced by A.
Protein change: p.Gly80Ser; replaces glycine 80 with serine.
Molecular consequence: missense variant.
Genome position (GRCh38, 1-based): chr16:70,277,061, C>T on the plus strand (G>A on the coding strand, the complement: AARS1 is on the minus strand). VCF-style: chr16-70277061-C-T. GRCh37 (hg19) VCF-style: chr16-70310964-C-T.
Other names: short protein forms G80S.
Identifiers: ClinVar variation 4984111 (VCV004984111.1).

ClinVar aggregate classification (germline): Uncertain significance (1 of 4 stars; one submission).

Conditions:
AARS1-related disorder. Also called: AARS1-related condition.

Submission:

PreventionGenetics, part of Exact Sciences
Classification: Uncertain significance for AARS1-related condition. Last evaluated: 2025-01-19. Review status: criteria provided, single submitter. Criteria: ACMG Guidelines, 2015. Collection method: clinical testing. Allele origin: germline.
Comment: The AARS1 c.238G>A variant is predicted to result in the amino acid substitution p.Gly80Ser. To our knowledge, this variant has not been reported in the literature or in a large population database (gnomAD), indicating this variant is rare. At this time, the clinical significance of this variant is uncertain due to the absence of conclusive functional and genetic evidence.